The following is an entry in ClinVar:

ClinVar aggregate classification (germline): Pathogenic (1 of 4 stars; one submission).

Submission:

GeneDx
Classification: Pathogenic. Last evaluated: 2015-12-23. Review status: criteria provided, single submitter. Criteria: GeneDx Variant Classification (06012015). Collection method: clinical testing. Allele origin: germline. Affected: yes.
Comment: The c.24_26delTGCinsAG variant in the KIF11 gene has not been reported previously as a pathogenic variant nor as a benign variant, to our knowledge. The c.24_26delTGCinsAG variant causes a frameshift starting with codon Alanine 9, changes this amino acid to a Glycine residue, and creates a premature Stop codon at position 15 of the new reading frame, denoted p.Ala9GlyfsX15. This variant is predicted to cause loss of normal protein function either through protein truncation or nonsense-mediated mRNA decay. The c.24_26delTGCinsAG variant was not observed in approximately 6500 individuals of European and African American ancestry in the NHLBI Exome Sequencing Project, indicating it is not a common benign variant in these populations. We interpret c.24_26delTGCinsAG as a pathogenic variant.

NM_004523.4(KIF11):c.24_26delinsAG (p.Ala9fs)

Gene: KIF11 (kinesin family member 11; plus strand). Cytogenetic location: 10q23.33.
Variant type: Indel.
Coding change: c.24_26delinsAG on transcript NM_004523.4 (MANE Select); coding-DNA positions 24 to 26, TGC replaced by AG.
Protein change: p.Ala9fs; shifts the reading frame from alanine 9.
Molecular consequence: frameshift variant.
Genome position (GRCh38, 1-based): chr10:92,593,399-92,593,401, TGC replaced by AG. VCF-style: chr10-92593399-TGC-AG. GRCh37 (hg19) VCF-style: chr10-94353156-TGC-AG.
Other names: short protein forms A9fs.
Identifiers: ClinVar variation 280235 (VCV000280235.2), dbSNP rs886041477, ClinGen allele CA10603077.